The following is an entry in ClinVar:

ClinVar aggregate classification (germline): Uncertain significance. Review status: criteria provided, multiple submitters, no conflicts (2 of 4 stars). 11 submissions from 10 submitters: Uncertain significance (10). 1 of the submissions does not count toward it. Last evaluated 2025-05-19.

Conditions:
Nephronophthisis 4 (NPHP4). Also called: NEPHRONOPHTHISIS 4, JUVENILE. Identifiers: Orphanet 655, MedGen C1847013, MONDO:0011752, OMIM 606966.
Senior-Loken syndrome 4 (SLSN4). Identifiers: Orphanet 3156, MedGen C1846979, MONDO:0011756, OMIM 606996.
NPHP4-related disorder. Also called: NPHP4-related disorders; NPHP4-related condition. Identifiers: MedGen CN239384.
Optic atrophy. Identifiers: MedGen C0029124, MONDO:0003608, HP:0000648.
Nephronophthisis. Also called: Juvenile Nephronophthisis. Identifiers: Orphanet 655, MedGen C0687120, MONDO:0019005, HP:0000090.
Inborn genetic diseases. Identifiers: MedGen C0950123, MeSH D030342.
Kidney disorder. Also called: renal disorder; Nephropathy; Kidney disease; Kidney Diseases; renal disease. Identifiers: MedGen C0022658, MONDO:0005240, HP:0000112.

Allele frequency attached by ClinVar (database versions not stated): gnomAD exomes 0.00013 and 0.00019; ExAC 0.00017; ESP Exome Variant Server 0.00024; gnomAD 0.00027; TOPMed 0.00034.
gnomAD v4.1: 317 of 1,608,102 alleles (0.02%); highest among the groups gnomAD compares: Admixed American, 0.071%; no homozygotes.

Submissions (11):

Ambry Genetics
Classification: Uncertain significance for Inborn genetic diseases. Last evaluated: 2025-05-19. Review status: criteria provided, single submitter. Criteria: Ambry Variant Classification Scheme 2023. Collection method: clinical testing. Allele origin: germline.

Labcorp Genetics (formerly Invitae), Labcorp
Classification: Uncertain significance for Nephronophthisis. Last evaluated: 2025-01-06. Review status: criteria provided, single submitter. Criteria: Invitae Variant Classification Sherloc (09022015). Collection method: clinical testing. Allele origin: germline.
Comment: This sequence change replaces proline, which is neutral and non-polar, with leucine, which is neutral and non-polar, at codon 86 of the NPHP4 protein (p.Pro86Leu). This variant is present in population databases (rs201998215, gnomAD 0.03%). This variant has not been reported in the literature in individuals affected with NPHP4-related conditions. ClinVar contains an entry for this variant (Variation ID: 297830). Invitae Evidence Modeling of protein sequence and biophysical properties (such as structural, functional, and spatial information, amino acid conservation, physicochemical variation, residue mobility, and thermodynamic stability) indicates that this missense variant is expected to disrupt NPHP4 protein function with a positive predictive value of 80%. In summary, the available evidence is currently insufficient to determine the role of this variant in disease. Therefore, it has been classified as a Variant of Uncertain Significance.

Blueprint Genetics
Classification: Uncertain significance. Last evaluated: 2024-09-21. Review status: criteria provided, single submitter. Criteria: ACMG Guidelines, 2015. Collection method: clinical testing. Allele origin: germline.

Daryl Scott Lab, Baylor College of Medicine
Classification: Uncertain significance for NPHP4-related disorder. Last evaluated: 2024-01-01. Review status: criteria provided, single submitter. Criteria: ACMG Guidelines, 2015. Collection method: clinical testing. Allele origin: paternal. Observed: 1 heterozygote.
Comment: no criteria met

GeneDx
Classification: Uncertain significance. Last evaluated: 2022-07-07. Review status: criteria provided, single submitter. Criteria: GeneDx Variant Classification Process June 2021. Collection method: clinical testing. Allele origin: germline. Affected: yes.
Comment: In silico analysis supports that this missense variant does not alter protein structure/function; Has not been previously published as pathogenic or benign to our knowledge

Fulgent Genetics
Classification: Uncertain significance for Nephronophthisis 4; Senior-Loken syndrome 4. Last evaluated: 2018-10-31. Review status: criteria provided, single submitter. Criteria: ACMG Guidelines, 2015. Collection method: clinical testing. Allele origin: unknown.

Eurofins Ntd Llc (ga)
Classification: Uncertain significance. Last evaluated: 2018-02-21. Review status: criteria provided, single submitter. Criteria: EGL ClinVar v180209 classification definitions. Collection method: clinical testing. Allele origin: germline. Observed: 2 variant alleles, 2 heterozygotes.

Illumina Laboratory Services, Illumina
Classification: Uncertain significance for Senior-Loken syndrome 4. Last evaluated: 2018-01-13. Review status: criteria provided, single submitter. Criteria: ICSL Variant Classification Criteria 13 December 2019. Collection method: clinical testing. Allele origin: germline.

Illumina Laboratory Services, Illumina
Classification: Uncertain significance for Nephronophthisis 4. Last evaluated: 2018-01-13. Review status: criteria provided, single submitter. Criteria: ICSL Variant Classification Criteria 13 December 2019. Collection method: clinical testing. Allele origin: germline.

Genome Diagnostics Laboratory, The Hospital for Sick Children
Classification: Uncertain significance for Kidney disorder. Last evaluated: 2016-12-12. Review status: criteria provided, single submitter. Criteria: ACMG Guidelines, 2015. Collection method: clinical testing. Allele origin: germline.

Institute of Human Genetics, Univ. Regensburg, Univ. Regensburg
Classification: Uncertain significance for Optic atrophy. Last evaluated: 2023-01-01. Review status: no assertion criteria provided. Criteria: ACMG Guidelines, 2015. Collection method: clinical testing. Allele origin: germline. Affected: yes. Not counted in ClinVar's aggregate classification.

NM_015102.5(NPHP4):c.257C>T (p.Pro86Leu)

Gene: NPHP4 (nephrocystin 4; minus strand). Cytogenetic location: 1p36.31.
Variant type: single nucleotide variant.
Coding change: c.257C>T on transcript NM_015102.5 (MANE Select); coding-DNA position 257, C replaced by T.
Protein change: p.Pro86Leu; replaces proline 86 with leucine.
Molecular consequence: missense variant. On other transcripts: 5 prime UTR variant (1), non-coding transcript variant (1), intron variant (1).
Genome position (GRCh38, 1-based): chr1:5,978,292, G>A on the plus strand (C>T on the coding strand, the complement: NPHP4 is on the minus strand). VCF-style: chr1-5978292-G-A. GRCh37 (hg19) VCF-style: chr1-6038352-G-A.
Other names: c.-973C>T (NM_001291593.2); c.-1087-9033C>T (NM_001291594.2); short protein forms P86L.
Identifiers: ClinVar variation 297830 (VCV000297830.25), dbSNP rs201998215, ClinGen allele CA554894.
Genomic context (GRCh38, chr1:5,978,292, plus strand): 5'-GCCTTGGAGCAGCCCCTGCCACCATCACCAGGGCCCACCTCATTAAAGACGATCCTGGAC[G>A]GCGGTCTCTTCGTCGGCTTCACTGTGGTTTTCCACGTCCTCCCAAAGAAGTGCCGGTAGG-3'
Protein context (NP_055917.1, residues 76-96): KTTVKPTKRP[Pro86Leu]SRIVFNEPLY